The following is an entry in ClinVar:

NM_032806.6(POMGNT2):c.1321G>A (p.Glu441Lys)

Gene: POMGNT2 (protein O-linked mannose N-acetylglucosaminyltransferase 2 (beta 1,4-); minus strand). Cytogenetic location: 3p22.1.
Variant type: single nucleotide variant.
Coding change: c.1321G>A on transcript NM_032806.6 (MANE Select); coding-DNA position 1321, G replaced by A.
Protein change: p.Glu441Lys; replaces glutamic acid 441 with lysine.
Molecular consequence: missense variant.
Genome position (GRCh38, 1-based): chr3:43,080,111, C>T on the plus strand (G>A on the coding strand, the complement: POMGNT2 is on the minus strand). VCF-style: chr3-43080111-C-T. GRCh37 (hg19) VCF-style: chr3-43121603-C-T.
Other names: c.1321G>A (NM_032806.4); short protein forms E441K.
Identifiers: ClinVar variation 964568 (VCV000964568.4), dbSNP rs1195755326, ClinGen allele CA352301388.
Genomic context (GRCh38, chr3:43,080,111, plus strand): 5'-TGGTTTGAATGAGGGACGGGATGTCCACCTTGGTGTCCTGGTAGATTCGGAAGAGCCACT[C>T]GGGGTTCCGGCAACAGAGATGCCGTGGGACCTCACGGCTTTGCAGGATACGGGCTTGCTC-3'
Protein context (NP_116195.2, residues 431-451): VPRHLCCRNP[Glu441Lys]WLFRIYQDTK

ClinVar aggregate classification (germline): Uncertain significance. Review status: criteria provided, multiple submitters, no conflicts (2 of 4 stars). 2 submissions from 2 submitters: Uncertain significance (2). Last evaluated 2022-10-13.

Conditions:
Inborn genetic diseases. Identifiers: MedGen C0950123, MeSH D030342.
Muscular dystrophy-dystroglycanopathy (congenital with brain and eye anomalies), type a, 8 (MDDGA8). Also called: WALKER-WARBURG SYNDROME OR MUSCLE-EYE-BRAIN DISEASE, GTDC2-RELATED. Identifiers: Orphanet 899, MedGen C3553813, MONDO:0013904, OMIM 614830.

Allele frequency attached by ClinVar (database versions not stated): gnomAD exomes below 0.00001 and 0.00001.
gnomAD v4.1: 5 of 1,613,862 alleles (0.00031%); highest among the groups gnomAD compares: Admixed American, 0.0033%; no homozygotes.

Submissions (2):

Labcorp Genetics (formerly Invitae), Labcorp
Classification: Uncertain significance for Muscular dystrophy-dystroglycanopathy (congenital with brain and eye anomalies), type a, 8. Last evaluated: 2022-10-13. Review status: criteria provided, single submitter. Criteria: Invitae Variant Classification Sherloc (09022015). Collection method: clinical testing. Allele origin: germline.
Comment: This sequence change replaces glutamic acid, which is acidic and polar, with lysine, which is basic and polar, at codon 441 of the POMGNT2 protein (p.Glu441Lys). This variant is present in population databases (no rsID available, gnomAD 0.006%). This variant has not been reported in the literature in individuals affected with POMGNT2-related conditions. ClinVar contains an entry for this variant (Variation ID: 964568). Advanced modeling of protein sequence and biophysical properties (such as structural, functional, and spatial information, amino acid conservation, physicochemical variation, residue mobility, and thermodynamic stability) performed at Invitae indicates that this missense variant is not expected to disrupt POMGNT2 protein function. In summary, the available evidence is currently insufficient to determine the role of this variant in disease. Therefore, it has been classified as a Variant of Uncertain Significance.

Ambry Genetics
Classification: Uncertain significance for Inborn genetic diseases. Last evaluated: 2022-04-22. Review status: criteria provided, single submitter. Criteria: Ambry Variant Classification Scheme 2023. Collection method: clinical testing. Allele origin: germline.